The following is an entry in ClinVar:

ClinVar aggregate classification (germline): Likely benign (1 of 4 stars; one submission).

Submission:

GeneDx
Classification: Likely benign. Last evaluated: 2015-12-08. Review status: criteria provided, single submitter. Criteria: GeneDx Variant Classification (06012015). Collection method: clinical testing. Allele origin: germline. Affected: yes.
Comment: This variant is considered likely benign or benign based on one or more of the following criteria: it is a conservative change, it occurs at a poorly conserved position in the protein, it is predicted to be benign by multiple in silico algorithms, and/or has population frequency not consistent with disease.

NM_000256.3(MYBPC3):c.3627+14G>A

Gene: MYBPC3 (myosin binding protein C3; minus strand). Cytogenetic location: 11p11.2.
Variant type: single nucleotide variant.
Coding change: c.3627+14G>A on transcript NM_000256.3 (MANE Select); 14 bases into the intron after coding-DNA position 3627, G replaced by A.
Genome position (GRCh38, 1-based): chr11:47,332,552, C>T on the plus strand (G>A on the coding strand, the complement: MYBPC3 is on the minus strand). VCF-style: chr11-47332552-C-T. GRCh37 (hg19) VCF-style: chr11-47354103-C-T.
Other names: c.3627+14G>A (LRG_386t1).
Identifiers: ClinVar variation 382033 (VCV000382033.1), dbSNP rs1057521242, ClinGen allele CA054386.
Genomic context (GRCh38, chr11:47,332,552, plus strand): 5'-AGAGGACTGCTCAACGTCGGGGCCTGTGAGCCCTGCCTCCTGGTCGGCCTGGACCAGCGC[C>T]TAAAGTTCCCTACCTTGGGGCTACCCCGGACAGCACAGCAGAGCATAGCAGTGTAGCCCG-3'